The following is an entry in ClinVar:

NM_012452.3(TNFRSF13B):c.639del (p.Met214fs)

Gene: TNFRSF13B (TNF receptor superfamily member 13B; minus strand). Cytogenetic location: 17p11.2.
Variant type: Deletion.
Coding change: c.639del on transcript NM_012452.3 (MANE Select); coding-DNA position 639, one base deleted (G; older notation c.639delG).
Protein change: p.Met214fs; shifts the reading frame from methionine 214.
Molecular consequence: frameshift variant.
Genome position (GRCh38, 1-based): chr17:16,939,790, C deleted on the plus strand (G on the coding strand, the reverse complement: TNFRSF13B is on the minus strand). VCF-style (leftmost placement, unchanged base first): chr17-16939789-TC-T. GRCh37 (hg19) VCF-style: chr17-16843103-TC-T.
Other names: short protein forms M214fs.
Identifiers: ClinVar variation 1432286 (VCV001432286.6), dbSNP rs964576531, ClinGen allele CA288282244.
Genomic context (GRCh38, chr17:16,939,789, plus strand): 5'-AGCAGAAGCTGCAGGTCTCCACTGGCTCGGGGGATGTGCTCACAGGGCTGCCGGCTTCCA[TC>T]GCGTGATCTGCAGAGGCGAGAGTGGAGGGCGTGGGCCAGGCCTGGCCCTGCACTAGGGTA-3'

ClinVar aggregate classification (germline): Uncertain significance (1 of 4 stars; one submission).

Conditions:
Immunodeficiency, common variable, 2 (CVID2). Also called: HYPOGAMMAGLOBULINEMIA DUE TO TACI DEFICIENCY; ANTIBODY DEFICIENCY DUE TO TACI DEFECT. Identifiers: Orphanet 1572, MedGen C3150354, MONDO:0009413, OMIM 240500.

Allele frequency attached by ClinVar (database versions not stated): gnomAD exomes below 0.00001; gnomAD 0.00001; TOPMed 0.00003.

Submission:

Labcorp Genetics (formerly Invitae), Labcorp
Classification: Uncertain significance for Immunodeficiency, common variable, 2. Last evaluated: 2021-01-30. Review status: criteria provided, single submitter. Criteria: Invitae Variant Classification Sherloc (09022015). Collection method: clinical testing. Allele origin: germline.
Comment: This variant is not present in population databases (ExAC no frequency). This sequence change creates a premature translational stop signal (p.Met214Trpfs*7) in the TNFRSF13B gene. While this is not anticipated to result in nonsense mediated decay, it is expected to disrupt the last 80 amino acid(s) of the TNFRSF13B protein. This variant has not been reported in the literature in individuals with TNFRSF13B-related conditions. Experimental studies and prediction algorithms are not available or were not evaluated, and the functional significance of this variant is currently unknown. In summary, the available evidence is currently insufficient to determine the role of this variant in disease. Therefore, it has been classified as a Variant of Uncertain Significance.